The following is an entry in ClinVar:

ClinVar aggregate classification (germline): Likely benign (1 of 4 stars; one submission).

Allele frequency attached by ClinVar (database versions not stated): gnomAD 0.02321 and 0.02486.
gnomAD v4.1: 1,240 of 49,602 alleles (2.5%); highest among the groups gnomAD compares: East Asian, 5.4%; 275 homozygotes.

Submission:

GeneDx
Classification: Likely benign. Last evaluated: 2018-06-19. Review status: criteria provided, single submitter. Criteria: GeneDx Variant Classification (06012015). Collection method: clinical testing. Allele origin: germline. Affected: yes.
Comment: This variant is considered likely benign or benign based on one or more of the following criteria: it is a conservative change, it occurs at a poorly conserved position in the protein, it is predicted to be benign by multiple in silico algorithms, and/or has population frequency not consistent with disease.

NM_003119.4(SPG7):c.1324+3884C>G

Gene: SPG7 (SPG7 matrix AAA peptidase subunit, paraplegin; plus strand). Cytogenetic location: 16q24.3.
Variant type: single nucleotide variant.
Coding change: c.1324+3884C>G on transcript NM_003119.4 (MANE Select); 3884 bases into the intron after coding-DNA position 1324, C replaced by G.
Molecular consequence: intron variant.
Genome position (GRCh38, 1-based): chr16:89,536,520, C>G. VCF-style: chr16-89536520-C-G. GRCh37 (hg19) VCF-style: chr16-89602928-C-G.
Other names: c.1324+3884C>G (NM_001363850.1); c.1325-245C>G (NM_199367.3).
Identifiers: ClinVar variation 670127 (VCV000670127.1), dbSNP rs79179680, ClinGen allele CA286548589.